The following is an entry in ClinVar:

ClinVar aggregate classification (germline): Uncertain significance (1 of 4 stars; one submission).

Conditions:
Fanconi anemia complementation group J. Also called: BRIP1-Related Fanconi Anemia. Identifiers: Orphanet 84, MedGen C1836860, MONDO:0012187, OMIM 609054.
Familial cancer of breast. Also called: BREAST CANCER, FAMILIAL; hereditary breast carcinoma; Hereditary breast cancer. Identifiers: Orphanet 227535, MedGen C0346153, MONDO:0016419, OMIM 114480. Disease mechanism: loss of function.

Submission:

Labcorp Genetics (formerly Invitae), Labcorp
Classification: Uncertain significance for Familial cancer of breast; Fanconi anemia complementation group J. Last evaluated: 2025-09-10. Review status: criteria provided, single submitter. Criteria: Invitae Variant Classification Sherloc (09022015). Collection method: clinical testing. Allele origin: germline.
Comment: This sequence change replaces glutamic acid, which is acidic and polar, with lysine, which is basic and polar, at codon 924 of the BRIP1 protein (p.Glu924Lys). This variant is not present in population databases (gnomAD no frequency). This variant has not been reported in the literature in individuals affected with BRIP1-related conditions. ClinVar contains an entry for this variant (Variation ID: 530332). Invitae Evidence Modeling of protein sequence and biophysical properties (such as structural, functional, and spatial information, amino acid conservation, physicochemical variation, residue mobility, and thermodynamic stability) indicates that this missense variant is not expected to disrupt BRIP1 protein function with a negative predictive value of 95%. In summary, the available evidence is currently insufficient to determine the role of this variant in disease. Therefore, it has been classified as a Variant of Uncertain Significance.

NM_032043.3(BRIP1):c.2770G>A (p.Glu924Lys)

Gene: BRIP1 (BRCA1 interacting DNA helicase 1; minus strand). Cytogenetic location: 17q23.2.
Variant type: single nucleotide variant.
Coding change: c.2770G>A on transcript NM_032043.3 (MANE Select); coding-DNA position 2770, G replaced by A.
Protein change: p.Glu924Lys; replaces glutamic acid 924 with lysine.
Molecular consequence: missense variant.
Genome position (GRCh38, 1-based): chr17:61,685,971, C>T on the plus strand (G>A on the coding strand, the complement: BRIP1 is on the minus strand). VCF-style: chr17-61685971-C-T. GRCh37 (hg19) VCF-style: chr17-59763332-C-T.
Other names: short protein forms E924K.
Identifiers: ClinVar variation 530332 (VCV000530332.9), dbSNP rs1555573342, ClinGen allele CA400481569.